The following is an entry in ClinVar:

NM_001367624.2(ZNF469):c.5523G>A (p.Gly1841=)

Gene: ZNF469 (zinc finger protein 469; plus strand). Cytogenetic location: 16q24.2.
Variant type: single nucleotide variant.
Coding change: c.5523G>A on transcript NM_001367624.2 (MANE Select); coding-DNA position 5523, G replaced by A.
Protein change: p.Gly1841=; no amino-acid change (glycine 1841 retained).
Molecular consequence: synonymous variant.
Genome position (GRCh38, 1-based): chr16:88,432,993, G>A. VCF-style: chr16-88432993-G-A. GRCh37 (hg19) VCF-style: chr16-88499401-G-A.
Other names: NM_001127464.1:c.5439G>A; NM_001127464.2:c.5439G>A.
Identifiers: ClinVar variation 1206937 (VCV001206937.12), dbSNP rs577241365, ClinGen allele CA8225085.

ClinVar aggregate classification (germline): Likely benign. Review status: criteria provided, multiple submitters, no conflicts (2 of 4 stars). 6 submissions from 6 submitters: Likely benign (5). 1 of the submissions does not count toward it. Last evaluated 2026-01-26.

Conditions:
ZNF469-related disorder. Also called: ZNF469-related condition.
Cardiovascular phenotype. Identifiers: MedGen CN230736.

Allele frequency attached by ClinVar (database versions not stated): gnomAD exomes 0.00002 and 0.00005; ExAC 0.00012; gnomAD 0.00019 and 0.00021; TOPMed 0.00025; 1000 Genomes Project 0.00040; 1000 Genomes Project 30x 0.00047.
gnomAD v4.1: 54 of 1,550,400 alleles (0.0035%); highest among the groups gnomAD compares: African/African-American, 0.063%; no homozygotes.

Submissions (6):

Labcorp Genetics (formerly Invitae), Labcorp
Classification: Likely benign. Last evaluated: 2026-01-26. Review status: criteria provided, single submitter. Criteria: Invitae Variant Classification Sherloc (09022015). Collection method: clinical testing. Allele origin: germline.

Women's Health and Genetics/Laboratory Corporation of America, LabCorp
Classification: Likely benign. Last evaluated: 2026-01-19. Review status: criteria provided, single submitter. Criteria: LabCorp Variant Classification Summary - May 2015. Collection method: clinical testing. Allele origin: germline.

Blueprint Genetics
Classification: Likely benign. Last evaluated: 2023-06-16. Review status: criteria provided, single submitter. Criteria: ACMG Guidelines, 2015. Collection method: clinical testing. Allele origin: germline.

Ambry Genetics
Classification: Likely benign for Cardiovascular phenotype. Last evaluated: 2022-02-17. Review status: criteria provided, single submitter. Criteria: Ambry Variant Classification Scheme 2023. Collection method: clinical testing. Allele origin: germline.

GeneDx
Classification: Likely benign. Last evaluated: 2020-10-14. Review status: criteria provided, single submitter. Criteria: GeneDx Variant Classification Process June 2021. Collection method: clinical testing. Allele origin: germline. Affected: yes.

PreventionGenetics, part of Exact Sciences
Classification: Likely benign for ZNF469-related condition. Last evaluated: 2019-02-22. Review status: no assertion criteria provided. Collection method: clinical testing. Allele origin: germline. Not counted in ClinVar's aggregate classification.
Comment: This variant is classified as likely benign based on ACMG/AMP sequence variant interpretation guidelines (Richards et al. 2015 PMID: 25741868, with internal and published modifications).